The following is an entry in ClinVar:

ClinVar aggregate classification (germline): Pathogenic. Review status: criteria provided, multiple submitters, no conflicts (2 of 4 stars). 3 submissions from 3 submitters: Pathogenic (2). 1 of the submissions does not count toward it. Last evaluated 2019-03-22.

Conditions:
Charcot-Marie-Tooth disease. Also called: Charcot-Marie-Tooth Neuropathy; Charcot-Marie-Tooth Hereditary Neuropathy. Identifiers: Orphanet 166, MedGen C0007959, MONDO:0015626.
Neuropathy, hereditary motor and sensory, type 6A (HMSN6A). Also called: NEUROPATHY, HEREDITARY MOTOR AND SENSORY, TYPE VIA; HMSN VIA; CHARCOT-MARIE-TOOTH DISEASE, TYPE 6A; NEUROPATHY, HEREDITARY MOTOR AND SENSORY, TYPE VIA, WITH OPTIC ATROPHY. Identifiers: MedGen CN305336, MONDO:0011002, OMIM 601152.
Charcot-Marie-Tooth disease type 2. Also called: Charcot-Marie-Tooth type 2. Identifiers: Orphanet 64746, MedGen C0270914, MONDO:0018993.

Submissions (3):

Labcorp Genetics (formerly Invitae), Labcorp
Classification: Pathogenic for Charcot-Marie-Tooth disease type 2. Last evaluated: 2019-03-22. Review status: criteria provided, single submitter. Criteria: Invitae Variant Classification Sherloc (09022015). Collection method: clinical testing. Allele origin: germline.
Comment: For these reasons, this variant has been classified as Pathogenic. This variant disrupts the p.Leu92 amino acid residue in MFN2. Other variant(s) that disrupt this residue (p.Leu92Arg) have been determined to be pathogenic (PMID: 21258814). This suggests that this residue is clinically-significant, and that variants that disrupt this residue are likely to be disease-causing. Algorithms developed to predict the effect of missense changes on protein structure and function (SIFT, PolyPhen-2, Align-GVGD) all suggest that this variant is likely to be disruptive, but these predictions have not been confirmed by published functional studies and their clinical significance is uncertain. This variant has been observed in individuals affected with Charcot-Marie-Tooth disease and was observed to be de novo in at least one case (PMID: 16835246, 16714318). This variant is not present in population databases (ExAC no frequency). This sequence change replaces leucine with proline at codon 92 of the MFN2 protein (p.Leu92Pro). The leucine residue is highly conserved and there is a moderate physicochemical difference between leucine and proline.

Clinical Biomedical Laboratory, Shriners Hospital For Children - Canada
Classification: Pathogenic for Neuropathy, hereditary motor and sensory, type 6A. Review status: criteria provided, single submitter. Criteria: ACMG Guidelines, 2015. Collection method: clinical testing. Allele origin: germline. Affected: yes.
Comment: MFN2 is associated with hereditary motor and sensory neuropathy VIA, which corresponds to the diagnosis of the proband. The variant is absent from gnomAD (v.2.1.1), which indicates that the variant is very rare in the general population. The REVEL score is 0.979, which suggests that the variant is deleterious to protein function. The variant has been reported in the literature as a cause of hereditary motor and sensory neuropathy several times (e.g., PMID 16835246). Based on ACMG criteria, the variant is classified as pathogenic (PS3, PM2, PM5, PP2, PP3, PP4).

Inherited Neuropathy Consortium
Classification: Uncertain significance for Charcot-Marie-Tooth disease. Review status: no assertion criteria provided. Collection method: literature only. Allele origin: germline. Affected: yes. Not counted in ClinVar's aggregate classification.

Literature cited by the submitters: PubMed 21258814 (cited by Labcorp Genetics (formerly Invitae), Labcorp); PubMed 16835246 (cited by Labcorp Genetics (formerly Invitae), Labcorp and Clinical Biomedical Laboratory, Shriners Hospital For Children - Canada); PubMed 16714318 (cited by Labcorp Genetics (formerly Invitae), Labcorp and Inherited Neuropathy Consortium).

NM_014874.4(MFN2):c.275T>C (p.Leu92Pro)

Gene: MFN2 (mitofusin 2; plus strand). Cytogenetic location: 1p36.22.
Variant type: single nucleotide variant.
Coding change: c.275T>C on transcript NM_014874.4 (MANE Select); coding-DNA position 275, T replaced by C.
Protein change: p.Leu92Pro; replaces leucine 92 with proline.
Molecular consequence: missense variant.
Genome position (GRCh38, 1-based): chr1:11,992,654, T>C. VCF-style: chr1-11992654-T-C. GRCh37 (hg19) VCF-style: chr1-12052711-T-C.
Other names: c.275T>C, p.Leu92Pro (NM_001127660.2); short protein forms L92P.
Identifiers: ClinVar variation 637730 (VCV000637730.11), dbSNP rs1569816285, ClinGen allele CA338462142.